The following is an entry in ClinVar:

NM_000187.4(HGD):c.164_166del (p.Thr55del)

Gene: HGD (homogentisate 1,2-dioxygenase; minus strand). Cytogenetic location: 3q13.33.
Variant type: Deletion.
Coding change: c.164_166del on transcript NM_000187.4 (MANE Select); coding-DNA positions 164 to 166, 3 bases deleted (CCA; older notation c.164_166delCCA).
Protein change: p.Thr55del; deletes threonine 55.
Molecular consequence: inframe deletion.
Genome position (GRCh38, 1-based): chr3:120,674,911-120,674,913, TGG deleted on the plus strand (CCA on the coding strand, the reverse complement: HGD is on the minus strand); deleting any 3 consecutive bases within chr3:120,674,911-120,674,915 gives the same sequence; the c. name uses the placement nearest the transcript's 3' end. VCF-style (leftmost placement, unchanged base first): chr3-120674910-TTGG-T. GRCh37 (hg19) VCF-style: chr3-120393757-TTGG-T.
Other names: short protein forms T55del.
Identifiers: ClinVar variation 1359303 (VCV001359303.6), dbSNP rs1708093744, ClinGen allele CA1397109281.
Genomic context (GRCh38, chr3:120,674,910, plus strand): 5'-CCTGTCATAGTACCCACAGTCTGCAGGTCAGAATTCATCTAATCCTTGTACCTTCTCTTA[TTGG>T]TGCTCCGTGGACAAGTGAAAGCCGATCCTGAGAGCTGCTCAGCATAGAGATTGTAGGGGC-3'

ClinVar aggregate classification (germline): Uncertain significance. Review status: criteria provided, multiple submitters, no conflicts (2 of 4 stars). 2 submissions from 2 submitters: Uncertain significance (2). Last evaluated 2021-09-01.

Conditions:
Alkaptonuria (AKU). Also called: Alcaptonuria; Homogentisic acidura; Alkaptonuric ochronosis; HOMOGENTISIC ACID OXIDASE DEFICIENCY. Identifiers: Orphanet 56, MedGen C0002066, MONDO:0008753, OMIM 203500.

Submissions (2):

Labcorp Genetics (formerly Invitae), Labcorp
Classification: Uncertain significance for Alkaptonuria. Last evaluated: 2021-09-01. Review status: criteria provided, single submitter. Criteria: Invitae Variant Classification Sherloc (09022015). Collection method: clinical testing. Allele origin: germline.
Comment: This variant, c.164_166del, results in the deletion of 1 amino acid(s) of the HGD protein (p.Thr55del), but otherwise preserves the integrity of the reading frame. This variant is not present in population databases (ExAC no frequency). This variant has not been reported in the literature in individuals affected with HGD-related conditions. In summary, the available evidence is currently insufficient to determine the role of this variant in disease. Therefore, it has been classified as a Variant of Uncertain Significance.

Department Of Human Genetics, Institute Of Clinical And Translational Research, Biomedical Research Center, Slovak Academy Of Sciences
Classification: Uncertain significance for Alkaptonuria. Review status: criteria provided, single submitter. Criteria: ACMG Guidelines, 2015. Collection method: research. Allele origin: germline. Inheritance: Autosomal recessive inheritance. Affected: yes.
Comment: It has been submitted to the HGD gene mutation database (DB-ID: AKU_00259).

Literature cited by the submitters: PubMed 41963999 (cited by Department Of Human Genetics, Institute Of Clinical And Translational Research, Biomedical Research Center, Slovak Academy Of Sciences).